The following is an entry in ClinVar:

NM_152564.5(VPS13B):c.6666G>A (p.Trp2222Ter)

Gene: VPS13B (vacuolar protein sorting 13 homolog B; plus strand). Cytogenetic location: 8q22.2.
Variant type: single nucleotide variant.
Coding change: c.6666G>A on transcript NM_152564.5 (MANE Select); coding-DNA position 6666, G replaced by A.
Protein change: p.Trp2222Ter; replaces tryptophan 2222 with a stop codon.
Molecular consequence: nonsense.
Genome position (GRCh38, 1-based): chr8:99,720,353, G>A. VCF-style: chr8-99720353-G-A. GRCh37 (hg19) VCF-style: chr8-100732581-G-A.
Other names: c.6741G>A, p.Trp2247Ter (NM_017890.5); short protein forms W2222*, W2247*.
Identifiers: ClinVar variation 5013224 (VCV005013224.1).
Genomic context (GRCh38, chr8:99,720,353, plus strand): 5'-TCAAGAAATGTTTGTATTTAAAAGCTACTAGAATTTTTTTATGATTTTAAAGGTCTTCTG[G>A]GGTCAAGAACATTTGAATTGTTTAGTTCTTCTACATGAATTACTCAATGGATACCTTAAT-3'

ClinVar aggregate classification (germline): Pathogenic (1 of 4 stars; one submission).

Conditions:
Cohen syndrome (COH1). Also called: PEPPER SYNDROME; Cutis verticis gyrata, retinitis pigmentosa, and sensorineural deafness. Identifiers: Orphanet 193, MedGen C0265223, MONDO:0008999, OMIM 216550.

Submission:

Myriad Genetics, Inc.
Classification: Pathogenic for Cohen syndrome. Last evaluated: 2024-03-22. Review status: criteria provided, single submitter. Criteria: Myriad Autosomal Dominant, Autosomal Recessive and X-Linked Classification Criteria (2023). Collection method: clinical testing. Allele origin: unknown.
Comment: NM_017890.4(VPS13B):c.6741G>A(W2247*) is expected to be pathogenic in the context of Cohen syndrome. This variant is predicted to lead to an abnormal or absent protein product due to the creation of a premature termination codon in VPS13B, a gene where loss-of-function variants are known to be pathogenic. Please note: this variant was assessed in the context of healthy population screening.